The following is an entry in ClinVar:

ClinVar aggregate classification (germline): Pathogenic. Review status: reviewed by expert panel (3 of 4 stars). 5 submissions from 5 submitters: Pathogenic (1). 4 of the submissions do not count toward it. Last evaluated 2018-08-31.

Conditions:
CFTR-related disorder (CFTR-RD). Also called: CFTR-related disorders; CFTR-related condition. Identifiers: MedGen C5924204, MONDO:7770004.
Cystic fibrosis (CF). Also called: MUCOVISCIDOSIS. Identifiers: Orphanet 586, MedGen C0010674, MONDO:0009061, OMIM 219700. Disease mechanism: loss of function.

Submissions (5):

CFTR2
Classification: Pathogenic for Cystic fibrosis. Last evaluated: 2018-08-31. Review status: reviewed by expert panel. Criteria: Sosnay PR et al. (Nat Genet 2013). Collection method: research. Allele origin: germline. Affected: yes.

Natera, Inc.
Classification: Pathogenic for CFTR-related disorders. Last evaluated: 2025-10-08. Review status: criteria provided, single submitter. Criteria: Natera Variant Classification Schema (03/2026). Collection method: clinical testing. Allele origin: germline. Not counted in ClinVar's aggregate classification.
Comment: The c.4124A>C variant in CFTR is a missense variant predicted to cause substitution of histidine to proline at amino acid 1375. This variant is rare in the general population with a frequency below the threshold expected for the associated phenotype(s). This variant has been observed in one or more individuals affected with the associated recessive disease, as either homozygous or compound heterozygous with a second variant (PMID: 25910067, 37777263). Additionally, this variant has been observed to segregate in affected family members (PMID: 25910067). Functional studies show that this variant may disrupt protein function (PMID: 38388235). Computational prediction algorithms indicate this variant is likely to affect gene or protein function. Given the available evidence, this variant is classified as Pathogenic.

Women's Health and Genetics/Laboratory Corporation of America, LabCorp
Classification: Pathogenic for Cystic fibrosis. Last evaluated: 2024-08-26. Review status: criteria provided, single submitter. Criteria: LabCorp Variant Classification Summary - May 2015. Collection method: clinical testing. Allele origin: germline. Not counted in ClinVar's aggregate classification.
Comment: Variant summary: CFTR c.4124A>C (p.His1375Pro) results in a non-conservative amino acid change located in the ABC transporter-like, ATP-binding domain of the encoded protein sequence. Five of five in-silico tools predict a damaging effect of the variant on protein function. The variant was absent in 251220 control chromosomes. c.4124A>C has been reported in the literature in multiple individuals affected with Cystic Fibrosis (Lucarelli_2015, Almaghamsi_2023, Pennati_2019, Lucarelli_2017). These data indicate that the variant is very likely to be associated with disease. At least one publication reports experimental evidence evaluating an impact on protein function. The most pronounced variant effect resulted in approximately 16% of normal chloride channel conductance relative to wild type (e.g., Bihler_2024). The following publications have been ascertained in the context of this evaluation (PMID: 25910067, 30819810, 37777263, 38388235, 28736296). ClinVar contains an entry for this variant (Variation ID: 53895). Based on the evidence outlined above, the variant was classified as pathogenic.

Ambry Genetics
Classification: Pathogenic for Cystic fibrosis. Last evaluated: 2023-12-27. Review status: criteria provided, single submitter. Criteria: Ambry Variant Classification Scheme 2023. Collection method: clinical testing. Allele origin: germline. Not counted in ClinVar's aggregate classification.
Comment: The p.H1375P pathogenic mutation (also known as c.4124A>C), located in coding exon 25 of the CFTR gene, results from an A to C substitution at nucleotide position 4124. The histidine at codon 1375 is replaced by proline, an amino acid with similar properties. This alteration has been identified in the homozygous and compound heterozygous state in multiple individuals with a clinical diagnosis of cystic fibrosis (Lucarelli M et al. Mol Med, 2015 Apr;21:257-75; Almaghamsi T et al. Saudi Med J, 2023 Oct;44:987-994). This variant has <10% of wild type function in The Clinical and Functional TRanslation of CFTR (CFTR2) database (available at CFTR2. Accessed 12/26/2023). This amino acid position is well conserved in available vertebrate species. In addition, this alteration is predicted to be deleterious by in silico analysis. This variant is considered to be rare based on population cohorts in the Genome Aggregation Database (gnomAD). Based on the supporting evidence, this alteration is interpreted as a disease-causing mutation.

Mendelics
Classification: Pathogenic for Cystic fibrosis. Last evaluated: 2019-09-26. Review status: criteria provided, single submitter. Criteria: Mendelics Assertion Criteria 2017. Collection method: clinical testing. Allele origin: unknown. Affected: yes. Not counted in ClinVar's aggregate classification.

Literature cited by the submitters: PubMed 25910067 (cited by 3 submitters); PubMed 37777263 (cited by 3 submitters); PubMed 38388235 (cited by Natera, Inc. and Women's Health and Genetics/Laboratory Corporation of America, LabCorp); PubMed 28736296 (cited by Women's Health and Genetics/Laboratory Corporation of America, LabCorp); PubMed 30819810 (cited by Women's Health and Genetics/Laboratory Corporation of America, LabCorp).

NM_000492.4(CFTR):c.4124A>C (p.His1375Pro)

Gene: CFTR (CF transmembrane conductance regulator; plus strand). Cytogenetic location: 7q31.2.
Variant type: single nucleotide variant.
Coding change: c.4124A>C on transcript NM_000492.4 (MANE Select); coding-DNA position 4124, A replaced by C.
Protein change: p.His1375Pro; replaces histidine 1375 with proline.
Molecular consequence: missense variant.
Genome position (GRCh38, 1-based): chr7:117,664,848, A>C. VCF-style: chr7-117664848-A-C. GRCh37 (hg19) VCF-style: chr7-117304902-A-C.
Other names: short protein forms H1375P.
Identifiers: ClinVar variation 53895 (VCV000053895.9), dbSNP rs397508678, ClinGen allele CA327412.